The following is an entry in ClinVar:

ClinVar aggregate classification (germline): Uncertain significance (1 of 4 stars; one submission).

Submission:

Greenwood Genetic Center Diagnostic Laboratories, Greenwood Genetic Center
Classification: Uncertain significance. Last evaluated: 2025-01-28. Review status: criteria provided, single submitter. Criteria: ACMG Guidelines, 2015. Collection method: clinical testing. Allele origin: germline.
Comment: Gene of Uncertain Significance

NM_001001794.4(DENND6B):c.566G>A (p.Ser189Asn)

Gene: DENND6B (DENN domain containing 6B; minus strand). Cytogenetic location: 22q13.33.
Variant type: single nucleotide variant.
Coding change: c.566G>A on transcript NM_001001794.4 (MANE Select); coding-DNA position 566, G replaced by A.
Protein change: p.Ser189Asn; replaces serine 189 with asparagine.
Molecular consequence: missense variant.
Genome position (GRCh38, 1-based): chr22:50,316,247, C>T on the plus strand (G>A on the coding strand, the complement: DENND6B is on the minus strand). VCF-style: chr22-50316247-C-T. GRCh37 (hg19) VCF-style: chr22-50754676-C-T.
Other names: short protein forms S189N.
Identifiers: ClinVar variation 4851765 (VCV004851765.1).
Genomic context (GRCh38, chr22:50,316,247, plus strand): 5'-CCCATGACAGGTAGGTTCAGGGTCTGCCCAGGTGCAGGCGCCGGCCACTGGTCGATCTCA[C>T]TGCACACTGCGGATGCAGTAGCCCGCATCAGGACCCTCCCCAAGGAGAAGCTGCTGCCGA-3'
Protein context (NP_001001794.3, residues 179-199): KLAPCLEAVC[Ser189Asn]EIDQWPAPAP